The following is an entry in ClinVar:

NM_002386.4(MC1R):c.464T>C (p.Ile155Thr)

Gene: MC1R (melanocortin 1 receptor; plus strand). Cytogenetic location: 16q24.3.
Variant type: single nucleotide variant.
Coding change: c.464T>C on transcript NM_002386.4 (MANE Select); coding-DNA position 464, T replaced by C.
Protein change: p.Ile155Thr; replaces isoleucine 155 with threonine.
Molecular consequence: missense variant.
Genome position (GRCh38, 1-based): chr16:89,919,722, T>C. VCF-style: chr16-89919722-T-C. GRCh37 (hg19) VCF-style: chr16-89986130-T-C.
Other names: short protein forms I155T.
Identifiers: ClinVar variation 239154 (VCV000239154.66), dbSNP rs1110400, ClinGen allele CA8255599.

ClinVar aggregate classification (germline): Conflicting classifications of pathogenicity. Review status: criteria provided, conflicting classifications (1 of 4 stars). 10 submissions from 10 submitters: Pathogenic (1); Uncertain significance (1); Benign (1); Likely benign (6). 1 of the submissions does not count toward it. Last evaluated 2026-04-01.

Conditions:
Melanoma, cutaneous malignant, susceptibility to, 5. Also called: Cutaneous malignant melanoma 5. Identifiers: Orphanet 618, MedGen C2751295, MONDO:0013133, OMIM 613099.
Increased analgesia from kappa-opioid receptor agonist, female-specific. Identifiers: MedGen C2751296, OMIM 613098.
SKIN/HAIR/EYE PIGMENTATION, VARIATION IN, 2 (SHEP2). Also called: HAIR COLOR 2; RED HAIR COLOR; BLOND HAIR/FAIR SKIN. Identifiers: MedGen C1849452, OMIM 266300.
Tyrosinase-positive oculocutaneous albinism (OCA2). Also called: ALBINISM II; Oculocutaneous albinism type 2; Albinism, oculocutaneous, type II. Identifiers: Orphanet 79432, MedGen C0268495, MONDO:0008746, OMIM 203200.

Allele frequency attached by ClinVar (database versions not stated): 1000 Genomes Project 0.00319; 1000 Genomes Project 30x 0.00375; ExAC 0.00527; gnomAD exomes 0.00564 and 0.00969; TOPMed 0.00638; gnomAD 0.00667 and 0.00675; ESP Exome Variant Server 0.00793.

Submissions (10):

CeGaT Center for Human Genetics Tuebingen
Classification: Likely benign. Last evaluated: 2026-04-01. Review status: criteria provided, single submitter. Criteria: CeGaT Center For Human Genetics Tuebingen Variant Classification Criteria Version 2. Collection method: clinical testing. Allele origin: germline. Affected: yes. Observed: 16 variant alleles.
Comment: MC1R: BP4

Labcorp Genetics (formerly Invitae), Labcorp
Classification: Benign for Melanoma, cutaneous malignant, susceptibility to, 5. Last evaluated: 2026-01-28. Review status: criteria provided, single submitter. Criteria: Invitae Variant Classification Sherloc (09022015). Collection method: clinical testing. Allele origin: germline.

ARUP Laboratories, Molecular Genetics and Genomics, ARUP Laboratories
Classification: Uncertain significance. Last evaluated: 2025-02-12. Review status: criteria provided, single submitter. Criteria: ARUP Molecular Germline Variant Investigation Process 2024. Collection method: clinical testing. Allele origin: germline.
Comment: The MC1R c.464T>C; p.Ile155Thr variant (rs1110400, ClinVar Variation ID: 239154) is reported in the literature in individuals affected with melanoma (Aviles 2012, Bassoli 2013, Hatvani 2014, Hu 2014, Puig-Butille 2013). However, several studies found only a slightly increased association with melanoma, with odds ratios of 1.14-2.61 (Hu 2014, Morgan 2018, Raimondi 2008, Williams 2011). In another study, a homozygous XP variant cosegregated with familial melanoma while the MC1R c.464T>C; p.Ile155Thr variant was also found in three of the five affected individuals; however, the melanoma phenotype was more severe in these individuals carrying both variants (Leidenz 2024). This variant is found in the general population with an overall allele frequency of 0.572% (1,566/273,582 alleles, including a single homozygote) in the Genome Aggregation Database (v2.1.1). In vitro functional analyses demonstrate reduced cAMP signaling but disagree on the impact of MC1R protein surface expression (Beaumont 2007, Moore 2021). Computational analyses are uncertain whether this variant is neutral or deleterious (REVEL: 0.234). Based on available information, it is uncertain whether this variant increases the risk for melanoma. References: Aviles JA et al. Phenotypic and histologic characteristics of cutaneous melanoma in patients with melanocortin-1 receptor polymorphisms. Actas Dermosifiliogr. 2012 Jan;103(1):44-50. PMID: 22464597. Bassoli S et al. CDKN2A and MC1R variants influence dermoscopic and confocal features of benign melanocytic lesions in multiple melanoma patients. Exp Dermatol. 2013 Jun;22(6):411-6. PMID: 23711066. Beaumont KA et al. Receptor function, dominant negative activity and phenotype correlations for MC1R variant alleles. Hum Mol Genet. 2007 Sep 15;16(18):2249-60. PMID: 17616515. Hatvani Z et al. Genotype analysis in Hungarian patients with multiple primary melanoma. Exp Dermatol. 2014 May;23(5):361-4. PMID: 24660985. Hu HH et al. A large French case-control study emphasizes the role of rare Mc1R variants in melanoma risk. Biomed Res Int. 2014;2014:925716. PMID: 24982914. Leidenz FAB et al. Familial Melanoma Phenotype With Xeroderma Pigmentosum Group C (XP-C) Genotype - The Putative Role of MC1R Polymorphism as Modifier. Dermatol Pract Concept. 2024 Jan 1;14(1):e2024050. PMID: 38364385. Moore BS et al. Large scale clinical exome sequencing uncovers the scope and severity of skin disorders associated with MC1R genetic variants. Genet Med. 2021 Dec;23(12):2386-2393. PMID: 34326492. Morgan MD et al. Genome-wide study of hair colour in UK Biobank explains most of the SNP heritability. Nat Commun. 2018 Dec 10;9(1):5271. PMID: 30531825. Puig-Butille JA et al. Distribution of MC1R variants among melanoma subtypes: p.R163Q is associated with lentigo maligna melanoma in a Mediterranean population. Br J Dermatol. 2013 Oct;169(4):804-11. PMID: 23647022. Raimondi S et al. MC1R variants, melanoma and red hair color phenotype: a meta-analysis. Int J Cancer. 2008 Jun 15;122(12):2753-60. PMID: 18366057. Williams PF et al. Melanocortin 1 receptor and risk of cutaneous melanoma: a meta-analysis and estimates of population burden. Int J Cancer. 2011 Oct 1;129(7):1730-40. PMID: 21128237.

Women's Health and Genetics/Laboratory Corporation of America, LabCorp
Classification: Likely benign. Last evaluated: 2024-12-10. Review status: criteria provided, single submitter. Criteria: LabCorp Variant Classification Summary - May 2015. Collection method: clinical testing. Allele origin: germline.
Comment: Variant summary: MC1R c.464T>C (p.Ile155Thr) results in a non-conservative amino acid change located in the G-protein coupled receptors family 1 profile (IPR017452) of the encoded protein sequence. Four of five in-silico tools predict a damaging effect of the variant on protein function. The variant allele was found at a frequency of 0.0056 in 242204 control chromosomes in the gnomAD database, including 1 homozygotes. The observed variant frequency exceeds the estimated maximal expected allele frequency for a pathogenic variant in MC1R causing MC1R-Related Disorders phenotype. c.464T>C has been reported in the literature in individuals affected with MC1R-Related Disorders and melanoma (Flanagan_2000, Puig-Butill_2012, Avils_2012). These report(s) do not provide unequivocal conclusions about association of the variant with MC1R-Related Disorders. At least one publication reports experimental evidence evaluating an impact on protein function. The most pronounced variant effect results in 10%-<30% of normal activity in an in vitro cellular assay (Beaumont_2007). The following publications have been ascertained in the context of this evaluation (PMID: 22464597, 17616515, 11030758, 34326492, 23647022). ClinVar contains an entry for this variant (Variation ID: 239154). Based on the evidence outlined above, the variant was classified as likely benign.

Blueprint Genetics
Classification: Likely benign. Last evaluated: 2024-11-21. Review status: criteria provided, single submitter. Criteria: ACMG Guidelines, 2015. Collection method: clinical testing. Allele origin: germline.

Fulgent Genetics
Classification: Likely benign for Tyrosinase-positive oculocutaneous albinism; SKIN/HAIR/EYE PIGMENTATION, VARIATION IN, 2; Increased analgesia from kappa-opioid receptor agonist, female-specific; Melanoma, cutaneous malignant, susceptibility to, 5. Last evaluated: 2024-06-03. Review status: criteria provided, single submitter. Criteria: ACMG Guidelines, 2015. Collection method: clinical testing. Allele origin: germline.

Illumina Laboratory Services, Illumina
Classification: Likely benign for Melanoma, cutaneous malignant, susceptibility to, 5. Last evaluated: 2017-04-27. Review status: criteria provided, single submitter. Criteria: ICSL Variant Classification Criteria 13 December 2019. Collection method: clinical testing. Allele origin: germline.
Comment: This variant was observed as part of a predisposition screen in an ostensibly healthy population. A literature search was performed for the gene, cDNA change, and amino acid change (where applicable). Publications were found based on this search. The evidence from the literature, in combination with allele frequency data from public databases where available, was sufficient to determine this variant is unlikely to cause disease. Therefore, this variant is classified as likely benign.

GeneDx
Classification: Pathogenic. Last evaluated: 2016-07-01. Review status: criteria provided, single submitter. Criteria: GeneDx Variant Classification (06012015). Collection method: clinical testing. Allele origin: germline. Affected: yes.
Comment: The I155T variant in the MC1R gene has been reported numerous times in the both the heterozygous and homozygous states in association with MC1R-related phenotypes including red hair, changes in skin pigmentation, and an increased risk for UV exposure-related melanoma (Flanagan et al., 2000; Beaumont et al., 2007; Raimondi et al., 2008; Cust et al., 2012; Puig-ButillÃ© et al., 2013). The NHLBI Exome Sequencing Project reports I155T was observed in 1.05% (90/8598) alleles from individuals of European American ancestry. The I155T variant is a non-conservative amino acid substitution, which is likely to impact secondary protein structure as these residues differ in polarity, charge, size and/or other properties. This substitution occurs at a position where amino acids with similar properties to Isoleucine are tolerated across species. Functional studies demonstrate that I155T reduces cell surface expression of the MC1R protein and results in loss of cAMP signaling (Beaumont et al., 2007).

PreventionGenetics, part of Exact Sciences
Classification: Likely benign. Review status: criteria provided, single submitter. Criteria: ACMG Guidelines, 2015. Collection method: clinical testing. Allele origin: germline.

Department of Pathology and Laboratory Medicine, Sinai Health System
Classification: Uncertain significance. Review status: no assertion criteria provided. Collection method: clinical testing. Allele origin: unknown. Affected: yes. Study: The Canadian Open Genetics Repository (COGR). Not counted in ClinVar's aggregate classification.
Comment: The MC1R p.Ile155Thr variant was reported in the literature with an association to red hair colour, fair skin colour, and melanoma risk phenotypes (Morgan_2018_PMID:30531825; Liu_2015_PMID:25963972; Williams_2011_PMID:21128237; Raimondi_2008_PMID:18366057). The variant was identified in dbSNP (ID: rs1110400), ClinVar (classified as benign 1x, likely benign 2x, pathogenic 1x by GeneDx, and uncertain significance 1x), and LOVD 3.0, however it was not identified in Cosmic. The variant was identified in control databases in 1566 of 273582 chromosomes (1 homozygous) at a frequency of 0.005724 increasing the likelihood this could be a low frequency benign variant (Genome Aggregation Database Feb 27, 2017). The variant was observed in the following populations: European (non-Finnish) in 1180 of 126992 chromosomes (freq: 0.009292), Ashkenazi Jewish in 88 of 10294 chromosomes (freq: 0.008549), Other in 45 of 7096 chromosomes (freq: 0.006342), Latino in 148 of 35326 chromosomes (freq: 0.00419), African in 55 of 24388 chromosomes (freq: 0.002255), European (Finnish) in 36 of 19442 chromosomes (freq: 0.001852) and South Asian in 14 of 30564 chromosomes (freq: 0.000458); it was not observed in the East Asian population. One functional study showed I155T G-protein coupled receptors, which are expressed on melanocytes and play a role in pigmentation regulation, displayed an 85% decrease in plasma membrane receptor levels (Beaumont_2005_PMID:15972726). Although the p.Ile155 residue is not conserved in mammals and other organisms, computational analyses (PolyPhen-2, SIFT, BLOSUM, MutationTaster) suggest that the variant may impact the protein. The variant occurs outside of the splicing consensus sequence and in silico or computational prediction software programs (SpliceSiteFinder, MaxEntScan, NNSPLICE, GeneSplicer) do not predict a difference in splicing. In summary, based on the above information the clinical significance of this variant cannot be determined with certainty at this time. This variant is classified as a variant of uncertain significance.

Literature cited by the submitters: PubMed 22464597 (cited by Women's Health and Genetics/Laboratory Corporation of America, LabCorp); PubMed 17616515 (cited by Women's Health and Genetics/Laboratory Corporation of America, LabCorp); PubMed 11030758 (cited by Women's Health and Genetics/Laboratory Corporation of America, LabCorp); PubMed 34326492 (cited by Women's Health and Genetics/Laboratory Corporation of America, LabCorp); PubMed 23647022 (cited by Women's Health and Genetics/Laboratory Corporation of America, LabCorp); PubMed 21128237 (cited by Illumina Laboratory Services, Illumina); PubMed 18366057 (cited by Illumina Laboratory Services, Illumina).